The following is an entry in ClinVar:

NM_001042492.3(NF1):c.2648C>T (p.Ser883Leu)

Gene: NF1 (neurofibromin 1; plus strand). Cytogenetic location: 17q11.2.
Variant type: single nucleotide variant.
Coding change: c.2648C>T on transcript NM_001042492.3 (MANE Select); coding-DNA position 2648, C replaced by T.
Protein change: p.Ser883Leu; replaces serine 883 with leucine.
Molecular consequence: missense variant.
Genome position (GRCh38, 1-based): chr17:31,229,263, C>T. VCF-style: chr17-31229263-C-T. GRCh37 (hg19) VCF-style: chr17-29556281-C-T.
Other names: c.2648C>T, p.Ser883Leu (NM_000267.4); short protein forms S883L.
Identifiers: ClinVar variation 1504236 (VCV001504236.7), dbSNP rs2151429346, ClinGen allele CA398984701.

ClinVar aggregate classification (germline): Uncertain significance. Review status: criteria provided, multiple submitters, no conflicts (2 of 4 stars). 2 submissions from 2 submitters: Uncertain significance (2). Last evaluated 2024-11-25.

Conditions:
Hereditary cancer-predisposing syndrome. Also called: Tumor predisposition; Hereditary neoplastic syndrome; Neoplastic Syndromes, Hereditary; Hereditary Cancer Syndrome. Identifiers: Orphanet 140162, MedGen C0027672, MeSH D009386, MONDO:0015356.
Cardiovascular phenotype. Identifiers: MedGen CN230736.
Neurofibromatosis, type 1 (NF1). Also called: VON RECKLINGHAUSEN DISEASE; NEUROFIBROMATOSIS, TYPE I, SOMATIC; Peripheral type neurofibromatosis; Neurofibromatosis, type I. Identifiers: Orphanet 636, MedGen C0027831, MONDO:0018975, OMIM 162200. Disease mechanism: loss of function.

Submissions (2):

Labcorp Genetics (formerly Invitae), Labcorp
Classification: Uncertain significance for Neurofibromatosis, type 1. Last evaluated: 2024-11-25. Review status: criteria provided, single submitter. Criteria: Invitae Variant Classification Sherloc (09022015). Collection method: clinical testing. Allele origin: germline.
Comment: This sequence change replaces serine, which is neutral and polar, with leucine, which is neutral and non-polar, at codon 883 of the NF1 protein (p.Ser883Leu). This variant is not present in population databases (gnomAD no frequency). This variant has not been reported in the literature in individuals affected with NF1-related conditions. ClinVar contains an entry for this variant (Variation ID: 1504236). Invitae Evidence Modeling of protein sequence and biophysical properties (such as structural, functional, and spatial information, amino acid conservation, physicochemical variation, residue mobility, and thermodynamic stability) indicates that this missense variant is not expected to disrupt NF1 protein function with a negative predictive value of 95%. In summary, the available evidence is currently insufficient to determine the role of this variant in disease. Therefore, it has been classified as a Variant of Uncertain Significance.

Ambry Genetics
Classification: Uncertain significance for Cardiovascular phenotype; Hereditary cancer-predisposing syndrome. Last evaluated: 2022-12-11. Review status: criteria provided, single submitter. Criteria: Ambry Variant Classification Scheme 2023. Collection method: clinical testing. Allele origin: germline.
Comment: The p.S883L variant (also known as c.2648C>T), located in coding exon 21 of the NF1 gene, results from a C to T substitution at nucleotide position 2648. The serine at codon 883 is replaced by leucine, an amino acid with dissimilar properties. This amino acid position is conserved. In addition, this alteration is predicted to be tolerated by in silico analysis. Since supporting evidence is limited at this time, the clinical significance of this alteration remains unclear.